The following is an entry in ClinVar:

ClinVar aggregate classification (germline): Conflicting classifications of pathogenicity. Review status: criteria provided, conflicting classifications (1 of 4 stars). 7 submissions from 7 submitters: Uncertain significance (6); Likely benign (1). Last evaluated 2025-03-04.

Conditions:
Tuberous sclerosis syndrome (TSC). Also called: Tuberous Sclerosis Complex; Tuberous sclerosis. Identifiers: Orphanet 805, MedGen C0041341, MONDO:0001734.
Tuberous sclerosis 2 (TSC2). Identifiers: Orphanet 805, MedGen C1860707, MONDO:0013199, OMIM 613254.
Hereditary cancer-predisposing syndrome. Also called: Tumor predisposition; Hereditary Cancer Syndrome; Neoplastic Syndromes, Hereditary; Hereditary neoplastic syndrome. Identifiers: Orphanet 140162, MedGen C0027672, MeSH D009386, MONDO:0015356.

Allele frequency attached by ClinVar (database versions not stated): gnomAD exomes below 0.00001; TOPMed below 0.00001; gnomAD 0.00001.

Submissions (7):

Ambry Genetics
Classification: Uncertain significance for Hereditary cancer-predisposing syndrome. Last evaluated: 2025-03-04. Review status: criteria provided, single submitter. Criteria: Ambry Variant Classification Scheme 2023. Collection method: clinical testing. Allele origin: germline.
Comment: The c.3815-1G>A intronic variant results from a G to A substitution one nucleotide upstream from coding exon 31 of the TSC2 gene. Alterations that disrupt the canonical splice site are expected to result in aberrant splicing. In silico splice site analysis predicts that this alteration may weaken the native splice acceptor site. The predicted resulting transcript is expected to be in-frame and is not expected to trigger nonsense-mediated mRNA decay; however, direct evidence is insufficient at this time (Ambry internal data). The exact functional effect of the altered amino acid sequence is unknown; however this region of the TSC2 gene is excluded from other biologically relevant TSC2 transcripts. This alteration was identified in 1 of 374 patients with clinically suspected TSC undergoing genetic testing within the TSC1 and TSC2 genes (Meng Y et al. J Hum Genet, 2021 Mar;66:227-236). This nucleotide position is highly conserved in available vertebrate species. Since supporting evidence is limited at this time, the clinical significance of this alteration remains unclear.

Color Diagnostics, LLC DBA Color Health
Classification: Uncertain significance for Tuberous sclerosis syndrome. Last evaluated: 2024-10-21. Review status: criteria provided, single submitter. Criteria: ACMG Guidelines, 2015. Collection method: clinical testing. Allele origin: germline.
Comment: This variant causes a G>A nucleotide substitution at the -1 position of intron 31 of the TSC2 gene. Splice site prediction tools suggest that this variant may have a significant impact on RNA splicing. To our knowledge, RNA studies have not been reported for this variant. This variant has been reported in an individual affected with tuberous sclerosis complex (TSC; PMID: 32917966). However, variants in exon 32 (coding exon 31) may be mitigated for classical TSC since TSC2 transcripts containing exon 32 are observed in very low amounts in adult tissues (PMID: 26703369). This variant has not been identified in the general population by the Genome Aggregation Database (gnomAD). The available evidence is insufficient to determine the role of this variant in disease conclusively. Therefore, this variant is classified as a Variant of Uncertain Significance.

All of Us Research Program, National Institutes of Health
Classification: Uncertain significance for Tuberous sclerosis syndrome. Last evaluated: 2024-09-02. Review status: criteria provided, single submitter. Criteria: ACMG Guidelines, 2015. Collection method: clinical testing. Allele origin: germline. Inheritance: Autosomal dominant inheritance. Observed: 1 variant allele, 1 heterozygote.
Comment: This study involves interpretation of variants in research participants for the purpose of population health screening. Participant phenotype was not available at the time of variant classification. Additional details can be found in publication PMID: 35346344, PMCID: PMC8962531

Labcorp Genetics (formerly Invitae), Labcorp
Classification: Likely benign for Tuberous sclerosis 2. Last evaluated: 2024-01-15. Review status: criteria provided, single submitter. Criteria: Invitae Variant Classification Sherloc (09022015). Collection method: clinical testing. Allele origin: germline.

Genome-Nilou Lab
Classification: Uncertain significance for Tuberous sclerosis 2. Last evaluated: 2021-11-07. Review status: criteria provided, single submitter. Criteria: ACMG Guidelines, 2015. Collection method: clinical testing. Allele origin: germline. Affected: no.

GeneDx
Classification: Uncertain significance. Last evaluated: 2020-05-14. Review status: criteria provided, single submitter. Criteria: GeneDx Variant Classification Process June 2021. Collection method: clinical testing. Allele origin: germline. Affected: yes.
Comment: Not observed in large population cohorts (Lek et al., 2016); Has not been previously published as pathogenic or benign to our knowledge

Human Genome Sequencing Center Clinical Lab, Baylor College of Medicine
Classification: Uncertain significance for Tuberous sclerosis type 2. Review status: criteria provided, single submitter. Criteria: ACMG Guidelines, 2015. Collection method: clinical testing. Allele origin: germline.

Literature cited by the submitters: PubMed 32917966 (cited by Ambry Genetics); PubMed 26703369 (cited by Color Diagnostics, LLC DBA Color Health).

NM_000548.5(TSC2):c.3815-1G>A

Gene: TSC2 (TSC complex subunit 2; plus strand). Cytogenetic location: 16p13.3.
Variant type: single nucleotide variant.
Coding change: c.3815-1G>A on transcript NM_000548.5 (MANE Select); the canonical splice acceptor site of the intron before coding-DNA position 3815, G replaced by A.
Molecular consequence: splice acceptor variant. On other transcripts: intron variant (33).
Genome position (GRCh38, 1-based): chr16:2,082,435, G>A. VCF-style: chr16-2082435-G-A. GRCh37 (hg19) VCF-style: chr16-2132436-G-A.
Other names: c.3683-1G>A (NM_001370404.1, NM_001406665.1); c.3682+637G>A (NM_001077183.3); c.2341+637G>A (NM_001406694.1, NM_001406693.1, NM_001406692.1); c.2338+637G>A (NM_001406695.1, NM_001406696.1, NM_001406697.1); c.3673+637G>A (NM_001406671.1); c.3670+637G>A (NM_001406673.1); c.3223+637G>A (NM_001406681.1); c.3703+637G>A (NM_001406670.1); and 25 more.
Identifiers: ClinVar variation 979125 (VCV000979125.19), dbSNP rs2090256621, ClinGen allele CA394294738.